The following is an entry in ClinVar:

ClinVar aggregate classification (germline): Uncertain significance (1 of 4 stars; one submission).

Allele frequency attached by ClinVar (database versions not stated): gnomAD exomes below 0.00001.

Submission:

Labcorp Genetics (formerly Invitae), Labcorp
Classification: Uncertain significance. Last evaluated: 2021-08-03. Review status: criteria provided, single submitter. Criteria: Invitae Variant Classification Sherloc (09022015). Collection method: clinical testing. Allele origin: germline.
Comment: This sequence change replaces aspartic acid with glycine at codon 204 of the USB1 protein (p.Asp204Gly). The aspartic acid residue is moderately conserved and there is a moderate physicochemical difference between aspartic acid and glycine. In summary, the available evidence is currently insufficient to determine the role of this variant in disease. Therefore, it has been classified as a Variant of Uncertain Significance. Algorithms developed to predict the effect of missense changes on protein structure and function are either unavailable or do not agree on the potential impact of this missense change (SIFT: "Not Available"; PolyPhen-2: "Possibly Damaging"; Align-GVGD: "Not Available"). This variant has not been reported in the literature in individuals affected with USB1-related conditions. This variant is not present in population databases (ExAC no frequency).

NM_024598.4(USB1):c.611A>G (p.Asp204Gly)

Gene: USB1 (U6 snRNA biogenesis phosphodiesterase 1; plus strand). Cytogenetic location: 16q21.
Variant type: single nucleotide variant.
Coding change: c.611A>G on transcript NM_024598.4 (MANE Select); coding-DNA position 611, A replaced by G.
Protein change: p.Asp204Gly; replaces aspartic acid 204 with glycine.
Molecular consequence: missense variant.
Genome position (GRCh38, 1-based): chr16:58,018,973, A>G. VCF-style: chr16-58018973-A-G. GRCh37 (hg19) VCF-style: chr16-58052877-A-G.
Other names: c.557A>G, p.Asp186Gly (NM_001195302.2); c.458A>G, p.Asp153Gly (NM_001330568.2); short protein forms D204G, D153G, D186G.
Identifiers: ClinVar variation 1406348 (VCV001406348.6), dbSNP rs2142313474, ClinGen allele CA396130093.